The following is an entry in ClinVar:

ClinVar aggregate classification (germline): Uncertain significance. Review status: criteria provided, multiple submitters, no conflicts (2 of 4 stars). 4 submissions from 4 submitters: Uncertain significance (3). 1 of the submissions does not count toward it. Last evaluated 2025-06-09.

Conditions:
Hereditary cancer-predisposing syndrome. Also called: Hereditary Cancer Syndrome; Hereditary neoplastic syndrome; Neoplastic Syndromes, Hereditary; Tumor predisposition. Identifiers: Orphanet 140162, MedGen C0027672, MeSH D009386, MONDO:0015356.
Bloom syndrome (BLM). Also called: Bloom-Torre-Machacek syndrome. Identifiers: Orphanet 125, MedGen C0005859, MONDO:0008876, OMIM 210900.

Allele frequency attached by ClinVar (database versions not stated): gnomAD exomes below 0.00001; TOPMed below 0.00001.
gnomAD v4.1: 1 of 1,601,838 alleles (0.000062%); highest among the groups gnomAD compares: Admixed American, 0.0017%; no homozygotes.

Submissions (4):

Labcorp Genetics (formerly Invitae), Labcorp
Classification: Uncertain significance for Bloom syndrome. Last evaluated: 2025-06-09. Review status: criteria provided, single submitter. Criteria: Invitae Variant Classification Sherloc (09022015). Collection method: clinical testing. Allele origin: germline.
Comment: This sequence change replaces threonine, which is neutral and polar, with alanine, which is neutral and non-polar, at codon 182 of the BLM protein (p.Thr182Ala). This variant is present in population databases (no rsID available, gnomAD 0.003%). This variant has not been reported in the literature in individuals affected with BLM-related conditions. ClinVar contains an entry for this variant (Variation ID: 405303). An algorithm developed to predict the effect of missense changes on protein structure and function (PolyPhen-2) suggests that this variant is likely to be tolerated. Experimental studies have shown that this missense change affects BLM function (PMID: 26028025). In summary, the available evidence is currently insufficient to determine the role of this variant in disease. Therefore, it has been classified as a Variant of Uncertain Significance.

Ambry Genetics
Classification: Uncertain significance for Hereditary cancer-predisposing syndrome. Last evaluated: 2022-05-24. Review status: criteria provided, single submitter. Criteria: Ambry Variant Classification Scheme 2023. Collection method: clinical testing. Allele origin: germline.
Comment: The p.T182A variant (also known as c.544A>G), located in coding exon 2 of the BLM gene, results from an A to G substitution at nucleotide position 544. The threonine at codon 182 is replaced by alanine, an amino acid with similar properties. This amino acid position is well conserved in available vertebrate species. In addition, this alteration is predicted to be tolerated by in silico analysis. Since supporting evidence is limited at this time, the clinical significance of this alteration remains unclear.

Genetic Services Laboratory, University of Chicago
Classification: Uncertain significance. Last evaluated: 2018-08-02. Review status: criteria provided, single submitter. Criteria: ACMG Guidelines, 2015. Collection method: clinical testing. Allele origin: germline. Affected: no.

Natera, Inc.
Classification: Uncertain significance for Bloom syndrome. Last evaluated: 2020-09-16. Review status: no assertion criteria provided. Collection method: clinical testing. Allele origin: germline. Not counted in ClinVar's aggregate classification.

Literature cited by the submitters: PubMed 26028025 (cited by Labcorp Genetics (formerly Invitae), Labcorp).

NM_000057.4(BLM):c.544A>G (p.Thr182Ala)

Gene: BLM (BLM RecQ like helicase; plus strand). Cytogenetic location: 15q26.1.
Variant type: single nucleotide variant.
Coding change: c.544A>G on transcript NM_000057.4 (MANE Select); coding-DNA position 544, A replaced by G.
Protein change: p.Thr182Ala; replaces threonine 182 with alanine.
Molecular consequence: missense variant. On other transcripts: 5 prime UTR variant (1).
Genome position (GRCh38, 1-based): chr15:90,749,812, A>G. VCF-style: chr15-90749812-A-G. GRCh37 (hg19) VCF-style: chr15-91293042-A-G.
Other names: c.544A>G, p.Thr182Ala (NM_001287246.2, NM_001287247.2); c.-748A>G (NM_001287248.2); c.544A>G (NM_000057.2); short protein forms T182A.
Identifiers: ClinVar variation 405303 (VCV000405303.13), dbSNP rs1060500643, ClinGen allele CA16614774.